The following is an entry in ClinVar:

ClinVar aggregate classification (germline): Uncertain significance (1 of 4 stars; one submission).

Conditions:
Fanconi anemia (FA). Also called: Fanconi's anemia. Identifiers: Orphanet 84, MedGen C0015625, MeSH D005199, MONDO:0019391.

Allele frequency attached by ClinVar (database versions not stated): TOPMed below 0.00001; gnomAD 0.00001; gnomAD exomes 0.00001 and 0.00003; ExAC 0.00002; 1000 Genomes Project 30x 0.00016; 1000 Genomes Project 0.00020.
gnomAD v4.1: 45 of 1,614,072 alleles (0.0028%); highest among the groups gnomAD compares: Non-Finnish European, 0.0036%; no homozygotes.

Submission:

Labcorp Genetics (formerly Invitae), Labcorp
Classification: Uncertain significance for Fanconi anemia. Last evaluated: 2021-09-01. Review status: criteria provided, single submitter. Criteria: Invitae Variant Classification Sherloc (09022015). Collection method: clinical testing. Allele origin: germline.
Comment: This sequence change replaces proline with serine at codon 303 of the FANCF protein (p.Pro303Ser). The proline residue is moderately conserved and there is a moderate physicochemical difference between proline and serine. This variant is present in population databases (rs199717587, ExAC 0.003%). This variant has not been reported in the literature in individuals affected with FANCF-related conditions. Algorithms developed to predict the effect of missense changes on protein structure and function output the following: SIFT: "Tolerated"; PolyPhen-2: "Benign"; Align-GVGD: "Class C0". The serine amino acid residue is found in multiple mammalian species, which suggests that this missense change does not adversely affect protein function. In summary, the available evidence is currently insufficient to determine the role of this variant in disease. Therefore, it has been classified as a Variant of Uncertain Significance.

NM_022725.4(FANCF):c.907C>T (p.Pro303Ser)

Genes: FANCF (FA complementation group F; minus strand), LOC130005444 (ATAC-STARR-seq lymphoblastoid active region 4534; plus strand). Cytogenetic location: 11p14.3.
Variant type: single nucleotide variant.
Coding change: c.907C>T on transcript NM_022725.4 (MANE Select); coding-DNA position 907, C replaced by T.
Protein change: p.Pro303Ser; replaces proline 303 with serine.
Molecular consequence: missense variant.
Genome position (GRCh38, 1-based): chr11:22,624,904, G>A on the plus strand (C>T on the coding strand, the complement: FANCF is on the minus strand). VCF-style: chr11-22624904-G-A. GRCh37 (hg19) VCF-style: chr11-22646450-G-A.
Other names: short protein forms P303S.
Identifiers: ClinVar variation 456288 (VCV000456288.6), dbSNP rs199717587, ClinGen allele CA5924234.